The following is an entry in ClinVar:

NM_000363.5(TNNI3):c.568G>T (p.Asp190Tyr)

Gene: TNNI3 (troponin I3, cardiac type; minus strand). Cytogenetic location: 19q13.42.
Variant type: single nucleotide variant.
Coding change: c.568G>T on transcript NM_000363.5 (MANE Select); coding-DNA position 568, G replaced by T.
Protein change: p.Asp190Tyr; replaces aspartic acid 190 with tyrosine.
Molecular consequence: missense variant.
Genome position (GRCh38, 1-based): chr19:55,151,899, C>A on the plus strand (G>T on the coding strand, the complement: TNNI3 is on the minus strand). VCF-style: chr19-55151899-C-A. GRCh37 (hg19) VCF-style: chr19-55663267-C-A.
Other names: short protein forms D190Y.
Identifiers: ClinVar variation 165511 (VCV000165511.6), dbSNP rs727503500, ClinGen allele CA021939.

ClinVar aggregate classification (germline): Likely pathogenic (1 of 4 stars; one submission).

Conditions:
Hypertrophic cardiomyopathy. Also called: HYPERTROPHIC MYOCARDIOPATHY. Identifiers: Orphanet 217569, MedGen C0007194, MeSH D002312, MONDO:0005045, HP:0001639.

Submission:

Laboratory for Molecular Medicine, Mass General Brigham Personalized Medicine
Classification: Likely pathogenic for Hypertrophic cardiomyopathy. Last evaluated: 2019-07-11. Review status: criteria provided, single submitter. Criteria: LMM Criteria. Collection method: clinical testing. Allele origin: germline. Inheritance: Autosomal dominant inheritance. Observed: 5 variant alleles.
Comment: It was absent from large population studies. Computational prediction tools and conservation analysis suggest that this variant may impact the protein, though this information is not predictive enough to determine pathogenicity. Another HCM-associated variant meeting our criteria for pathogenicity has been reported at this same position (p.Asp190Gly; Mogensen 2003) suggesting that variation at this amino acid may not be tolerated. In summary, although additional studies are required to fully establish its clinical significance, the p.Asp190Tyr variant meets criteria to be classified as likely pathogenic for autosomal dominant HCM. ACMG/AMP Criteria applied: PM2, PM5, PP1, PP3.

Literature cited by the submitters: PubMed 12531876.